The following is an entry in ClinVar:

ClinVar aggregate classification (germline): Uncertain significance. Review status: criteria provided, multiple submitters, no conflicts (2 of 4 stars). 5 submissions from 5 submitters: Uncertain significance (5). Last evaluated 2025-12-25.

Conditions:
Epilepsy, idiopathic generalized, susceptibility to, 18. Identifiers: MedGen C5561983, MONDO:0030434, OMIM 619521.
Sick sinus syndrome 2, autosomal dominant (SSS2). Also called: ATRIAL FIBRILLATION WITH BRADYARRHYTHMIA; SICK SINUS SYNDROME 2; SICK SINUS SYNDROME 2 WITH OR WITHOUT CARDIAC NONCOMPACTION AND/OR ASCENDING AORTA DILATION; SINUS BRADYCARDIA SYNDROME, FAMILIAL, AUTOSOMAL DOMINANT; SINUS NODE DISEASE, FAMILIAL, AUTOSOMAL DOMINANT. Identifiers: Orphanet 166282, MedGen C1834144, MONDO:0008102, OMIM 163800.
Brugada syndrome 8 (BRGDA8). Identifiers: Orphanet 130, MedGen C2751083, MONDO:0013148, OMIM 613123.
Cardiovascular phenotype. Identifiers: MedGen CN230736.

Allele frequency attached by ClinVar (database versions not stated): gnomAD 0.00003 and 0.00004; TOPMed 0.00003; gnomAD exomes 0.00005; ExAC 0.00008.
gnomAD v4.1: 27 of 1,446,378 alleles (0.0019%); highest among the groups gnomAD compares: African/African-American, 0.0056%; no homozygotes.

Submissions (5):

Labcorp Genetics (formerly Invitae), Labcorp
Classification: Uncertain significance for Brugada syndrome 8. Last evaluated: 2025-12-25. Review status: criteria provided, single submitter. Criteria: Invitae Variant Classification Sherloc (09022015). Collection method: clinical testing. Allele origin: germline.
Comment: This sequence change replaces arginine, which is basic and polar, with cysteine, which is neutral and slightly polar, at codon 1068 of the HCN4 protein (p.Arg1068Cys). This variant is present in population databases (rs759356193, gnomAD 0.03%). This variant has not been reported in the literature in individuals affected with HCN4-related conditions. ClinVar contains an entry for this variant (Variation ID: 1058436). Invitae Evidence Modeling of protein sequence and biophysical properties (such as structural, functional, and spatial information, amino acid conservation, physicochemical variation, residue mobility, and thermodynamic stability) indicates that this missense variant is not expected to disrupt HCN4 protein function with a negative predictive value of 95%. In summary, the available evidence is currently insufficient to determine the role of this variant in disease. Therefore, it has been classified as a Variant of Uncertain Significance.

Molecular Diagnostic Laboratory for Inherited Cardiovascular Disease, Montreal Heart Institute
Classification: Uncertain significance for Cardiovascular phenotype. Last evaluated: 2025-04-09. Review status: criteria provided, single submitter. Criteria: ACMG Guidelines, 2015. Collection method: clinical testing. Allele origin: germline. Affected: yes.

Ambry Genetics
Classification: Uncertain significance for Cardiovascular phenotype. Last evaluated: 2025-01-15. Review status: criteria provided, single submitter. Criteria: Ambry Variant Classification Scheme 2023. Collection method: clinical testing. Allele origin: germline.
Comment: The p.R1068C variant (also known as c.3202C>T), located in coding exon 8 of the HCN4 gene, results from a C to T substitution at nucleotide position 3202. The arginine at codon 1068 is replaced by cysteine, an amino acid with highly dissimilar properties. This variant was reported in an individual in a sudden cardiac arrest cohort, but clinical details were limited (Grondin S et al. Eur Heart J, 2022 Aug;43:3071-3081). This amino acid position is not well conserved in available vertebrate species. In addition, the in silico prediction for this alteration is inconclusive. Based on the available evidence, the clinical significance of this variant remains unclear.

Mayo Clinic Laboratories, Mayo Clinic
Classification: Uncertain significance. Last evaluated: 2023-09-28. Review status: criteria provided, single submitter. Criteria: ACMG Guidelines, 2015. Collection method: clinical testing. Allele origin: germline. Observed: 1 variant allele.

Fulgent Genetics
Classification: Uncertain significance for Sick sinus syndrome 2, autosomal dominant; Brugada syndrome 8; Epilepsy, idiopathic generalized, susceptibility to, 18. Last evaluated: 2021-08-17. Review status: criteria provided, single submitter. Criteria: ACMG Guidelines, 2015. Collection method: clinical testing. Allele origin: unknown.

Literature cited by the submitters: PubMed 35352813 (cited by Ambry Genetics).

NM_005477.3(HCN4):c.3202C>T (p.Arg1068Cys)

Gene: HCN4 (hyperpolarization activated cyclic nucleotide gated potassium channel 4; minus strand). Cytogenetic location: 15q24.1.
Variant type: single nucleotide variant.
Coding change: c.3202C>T on transcript NM_005477.3 (MANE Select); coding-DNA position 3202, C replaced by T.
Protein change: p.Arg1068Cys; replaces arginine 1068 with cysteine.
Molecular consequence: missense variant.
Genome position (GRCh38, 1-based): chr15:73,322,891, G>A on the plus strand (C>T on the coding strand, the complement: HCN4 is on the minus strand). VCF-style: chr15-73322891-G-A. GRCh37 (hg19) VCF-style: chr15-73615232-G-A.
Other names: p.Arg1068Cys; c.3202C>T (NM_005477.2); short protein forms R1068C.
Identifiers: ClinVar variation 1058436 (VCV001058436.11), dbSNP rs759356193, ClinGen allele CA7648872.